The following is an entry in ClinVar:

ClinVar aggregate classification (germline): Likely benign (1 of 4 stars; one submission).

Allele frequency attached by ClinVar (database versions not stated): 1000 Genomes Project 0.00120; 1000 Genomes Project 30x 0.00156; TOPMed 0.00251; gnomAD 0.00271.

Submission:

CeGaT Center for Human Genetics Tuebingen
Classification: Likely benign. Last evaluated: 2026-06-01. Review status: criteria provided, single submitter. Criteria: CeGaT Center For Human Genetics Tuebingen Variant Classification Criteria Version 2. Collection method: clinical testing. Allele origin: germline. Affected: yes. Observed: 13 variant alleles.
Comment: RARS2: BP4, BP7

NM_020320.5(RARS2):c.1586+893T>A

Gene: RARS2 (arginyl-tRNA synthetase 2, mitochondrial; minus strand). Cytogenetic location: 6q15.
Variant type: single nucleotide variant.
Coding change: c.1586+893T>A on transcript NM_020320.5 (MANE Select); 893 bases into the intron after coding-DNA position 1586, T replaced by A.
Molecular consequence: intron variant.
Genome position (GRCh38, 1-based): chr6:87,515,913, A>T on the plus strand (T>A on the coding strand, the complement: RARS2 is on the minus strand). VCF-style: chr6-87515913-A-T. GRCh37 (hg19) VCF-style: chr6-88225631-A-T.
Other names: c.1061+893T>A (NM_001350508.2, NM_001350511.2, NM_001350507.2 and 4 more transcripts); c.1586+893T>A (NM_001350505.2).
Identifiers: ClinVar variation 2656760 (VCV002656760.24), dbSNP rs181723468, ClinGen allele CA142839835.
Genomic context (GRCh38, chr6:87,515,913, plus strand): 5'-GAGGCTGAGGCAGGAGAATCGCTTGAATCCAGCAGGTGGAGGTTGCAGTGAGCCGAGATC[A>T]CGCTCCAGCCTGGACAACAGAGCGAGACACCATCTCAAAAAAAAGAAAAAAAAAAAAAAA-3'